The following is an entry in ClinVar:

NM_031433.4(MFRP):c.1426G>A (p.Gly476Ser)

Genes: C1QTNF5 (C1q and TNF related 5; minus strand), MFRP (membrane frizzled-related protein; minus strand). Cytogenetic location: 11q23.3.
Variant type: single nucleotide variant.
Coding change: c.1426G>A on transcript NM_031433.4 (MANE Select); coding-DNA position 1426, G replaced by A.
Protein change: p.Gly476Ser; replaces glycine 476 with serine.
Molecular consequence: missense variant. On other transcripts: 5 prime UTR variant (1).
Genome position (GRCh38, 1-based): chr11:119,341,946, C>T on the plus strand (G>A on the coding strand, the complement: MFRP is on the minus strand). VCF-style: chr11-119341946-C-T. GRCh37 (hg19) VCF-style: chr11-119212656-C-T.
Other names: c.-1211G>A (NM_015645.5); short protein forms G476S.
Identifiers: ClinVar variation 2202391 (VCV002202391.1), dbSNP rs942252372, ClinGen allele CA229675229.

ClinVar aggregate classification (germline): Uncertain significance (1 of 4 stars; one submission).

Conditions:
Isolated microphthalmia 5. Also called: Posterior Microphthalmia with Retinitis Pigmentosa, Foveoschisis, and Optic Disc Drusen. Identifiers: Orphanet 251279, MedGen C1970236, MONDO:0012605, OMIM 611040.

Allele frequency attached by ClinVar (database versions not stated): gnomAD exomes below 0.00001; gnomAD 0.00001; TOPMed 0.00001.
gnomAD v4.1: 4 of 1,613,796 alleles (0.00025%); highest among the groups gnomAD compares: East Asian, 0.0022%; no homozygotes.

Submission:

Labcorp Genetics (formerly Invitae), Labcorp
Classification: Uncertain significance for Isolated microphthalmia 5. Last evaluated: 2022-09-27. Review status: criteria provided, single submitter. Criteria: Invitae Variant Classification Sherloc (09022015). Collection method: clinical testing. Allele origin: germline.
Comment: This sequence change replaces glycine, which is neutral and non-polar, with serine, which is neutral and polar, at codon 476 of the MFRP protein (p.Gly476Ser). This variant is present in population databases (no rsID available, gnomAD 0.005%). This variant has not been reported in the literature in individuals affected with MFRP-related conditions. Advanced modeling of protein sequence and biophysical properties (such as structural, functional, and spatial information, amino acid conservation, physicochemical variation, residue mobility, and thermodynamic stability) performed at Invitae indicates that this missense variant is expected to disrupt MFRP protein function. In summary, the available evidence is currently insufficient to determine the role of this variant in disease. Therefore, it has been classified as a Variant of Uncertain Significance.